The following is an entry in ClinVar:

NM_000554.6(CRX):c.590del (p.Pro197fs)

Gene: CRX (cone-rod homeobox; plus strand). Cytogenetic location: 19q13.33.
Variant type: Deletion.
Coding change: c.590del on transcript NM_000554.6 (MANE Select); coding-DNA position 590, one base deleted (C; older notation c.590delC).
Protein change: p.Pro197fs; shifts the reading frame from proline 197.
Molecular consequence: frameshift variant.
Genome position (GRCh38, 1-based): chr19:47,839,657, C deleted; the last of 4 consecutive C bases (chr19:47,839,654-47,839,657); deleting any one gives the same sequence. VCF-style (leftmost placement, unchanged base first): chr19-47839653-GC-G. GRCh37 (hg19) VCF-style: chr19-48342910-GC-G.
Other names: short protein forms P197fs.
Identifiers: ClinVar variation 1399832 (VCV001399832.10), dbSNP rs1968169100, ClinGen allele CA2339609215.

ClinVar aggregate classification (germline): Pathogenic. Review status: criteria provided, multiple submitters, no conflicts (2 of 4 stars). 4 submissions from 4 submitters: Pathogenic (3). 1 of the submissions does not count toward it. Last evaluated 2026-01-21.

Conditions:
Retinal dystrophy. Also called: Inherited retinal dystrophy. Identifiers: Orphanet 71862, MedGen C0854723, MeSH D058499, MONDO:0019118, HP:0000556.
CRX-related disorders.
Cone-rod dystrophy 2 (CORD2). Also called: CONE-ROD RETINAL DYSTROPHY; Cone-rod retinal dystrophy 2. Identifiers: Orphanet 1872, MedGen C3489532, MONDO:0007362, OMIM 120970.
Leber congenital amaurosis 7 (LCA7). Identifiers: Orphanet 65, MedGen C3151192, MONDO:0013449, OMIM 613829.
Stargardt disease (FFM). Also called: Stargardt's disease; Fundus flavimaculatus. Identifiers: Orphanet 827, MedGen C0271093, MONDO:0019353.

Submissions (4):

Labcorp Genetics (formerly Invitae), Labcorp
Classification: Pathogenic for Cone-rod dystrophy 2; Leber congenital amaurosis 7. Last evaluated: 2026-01-21. Review status: criteria provided, single submitter. Criteria: Invitae Variant Classification Sherloc (09022015). Collection method: clinical testing. Allele origin: germline.
Comment: This sequence change creates a premature translational stop signal (p.Pro197Argfs*22) in the CRX gene. While this is not anticipated to result in nonsense mediated decay, it is expected to disrupt the last 103 amino acid(s) of the CRX protein. This variant is not present in population databases (gnomAD no frequency). This premature translational stop signal has been observed in individuals with clinical features of autosomal dominant CRX-related conditions (PMID: 29555955, 32533067; internal data). ClinVar contains an entry for this variant (Variation ID: 1399832). For these reasons, this variant has been classified as Pathogenic.

Blueprint Genetics
Classification: Pathogenic for CRX-related disorders. Last evaluated: 2021-03-10. Review status: criteria provided, single submitter. Criteria: ACMG Guidelines, 2015. Collection method: clinical testing. Allele origin: germline. Affected: yes. Observed: 3 variant alleles.

Institute of Human Genetics, Univ. Regensburg, Univ. Regensburg
Classification: Pathogenic for Retinal dystrophy. Last evaluated: 2019-01-01. Review status: criteria provided, single submitter. Criteria: ACMG Guidelines, 2015. Collection method: clinical testing. Allele origin: germline. Affected: yes.

Ophthalmo-Genetics Lab, Instituto de Oftalmologia Conde de Valenciana
Classification: Pathogenic for Stargardt disease. Last evaluated: 2022-12-13. Review status: no assertion criteria provided. Collection method: research. Allele origin: de novo. Inheritance: Autosomal dominant inheritance. Affected: yes. Observed: 1 heterozygote. Not counted in ClinVar's aggregate classification.

Literature cited by the submitters: PubMed 29555955 (cited by Labcorp Genetics (formerly Invitae), Labcorp and Institute of Human Genetics, Univ. Regensburg, Univ. Regensburg); PubMed 32533067 (cited by Labcorp Genetics (formerly Invitae), Labcorp and Institute of Human Genetics, Univ. Regensburg, Univ. Regensburg); PubMed 36284460 (cited by Institute of Human Genetics, Univ. Regensburg, Univ. Regensburg); PubMed 35934205 (cited by Ophthalmo-Genetics Lab, Instituto de Oftalmologia Conde de Valenciana).